The following is an entry in ClinVar:

ClinVar aggregate classification (germline): Benign. Review status: criteria provided, multiple submitters, no conflicts (2 of 4 stars). 2 submissions from 2 submitters: Benign (2). Last evaluated 2018-06-16.

Allele frequency attached by ClinVar (database versions not stated): TOPMed 0.19670; gnomAD 0.20909 and 0.21751; ESP Exome Variant Server 0.20955; 1000 Genomes Project 30x 0.22049; 1000 Genomes Project 0.22604; gnomAD exomes 0.27439 and 0.28887; ExAC 0.27579.
gnomAD v4.1: 428,241 of 1,525,326 alleles (28%); highest among the groups gnomAD compares: South Asian, 47%; 64,948 homozygotes.

Submissions (2):

GeneDx
Classification: Benign. Last evaluated: 2018-06-16. Review status: criteria provided, single submitter. Criteria: GeneDx Variant Classification (06012015). Collection method: clinical testing. Allele origin: germline. Affected: yes.
Comment: This variant is considered likely benign or benign based on one or more of the following criteria: it is a conservative change, it occurs at a poorly conserved position in the protein, it is predicted to be benign by multiple in silico algorithms, and/or has population frequency not consistent with disease.

Breakthrough Genomics
Classification: Benign. Review status: criteria provided, single submitter. Criteria: ACMG Guidelines, 2015. Collection method: not provided. Allele origin: germline. Inheritance: Autosomal recessive inheritance. Affected: yes.

NM_006265.3(RAD21):c.688+46T>C

Gene: RAD21 (RAD21 cohesin complex component; minus strand). Cytogenetic location: 8q24.11.
Variant type: single nucleotide variant.
Coding change: c.688+46T>C on transcript NM_006265.3 (MANE Select); 46 bases into the intron after coding-DNA position 688, T replaced by C.
Molecular consequence: intron variant.
Genome position (GRCh38, 1-based): chr8:116,857,221, A>G on the plus strand (T>C on the coding strand, the complement: RAD21 is on the minus strand). VCF-style: chr8-116857221-A-G. GRCh37 (hg19) VCF-style: chr8-117869460-A-G.
Identifiers: ClinVar variation 675063 (VCV000675063.2), dbSNP rs16888927, ClinGen allele CA4853031.